The following is an entry in ClinVar:

NM_000264.5(PTCH1):c.2627G>T (p.Gly876Val)

Gene: PTCH1 (patched 1; minus strand). Cytogenetic location: 9q22.32.
Variant type: single nucleotide variant.
Coding change: c.2627G>T on transcript NM_000264.5 (MANE Select); coding-DNA position 2627, G replaced by T.
Protein change: p.Gly876Val; replaces glycine 876 with valine.
Molecular consequence: missense variant. On other transcripts: non-coding transcript variant (1).
Genome position (GRCh38, 1-based): chr9:95,461,932, C>A on the plus strand (G>T on the coding strand, the complement: PTCH1 is on the minus strand). VCF-style: chr9-95461932-C-A. GRCh37 (hg19) VCF-style: chr9-98224214-C-A.
Other names: c.2174G>T, p.Gly725Val (NM_001083604.3, NM_001083605.3, NM_001083606.3 and 1 more transcripts); c.2471G>T, p.Gly824Val (NM_001354918.2); c.2429G>T, p.Gly810Val (NM_001083602.3); c.2624G>T, p.Gly875Val (NM_001083603.3); short protein forms G824V, G875V, G876V, G725V, G810V.
Identifiers: ClinVar variation 3635843 (VCV003635843.3).

ClinVar aggregate classification (germline): Uncertain significance. Review status: criteria provided, multiple submitters, no conflicts (2 of 4 stars). 2 submissions from 2 submitters: Uncertain significance (2). Last evaluated 2025-07-03.

Conditions:
Gorlin syndrome. Also called: Nevoid Basal Cell Carcinoma Syndrome; Basal cell nevus syndrome. Identifiers: Orphanet 377, MedGen C0004779, MONDO:0007187.
Hereditary cancer-predisposing syndrome. Also called: Hereditary Cancer Syndrome; Hereditary neoplastic syndrome; Neoplastic Syndromes, Hereditary; Tumor predisposition. Identifiers: Orphanet 140162, MedGen C0027672, MeSH D009386, MONDO:0015356.

Submissions (2):

Ambry Genetics
Classification: Uncertain significance for Hereditary cancer-predisposing syndrome. Last evaluated: 2025-07-03. Review status: criteria provided, single submitter. Criteria: Ambry Variant Classification Scheme 2023. Collection method: clinical testing. Allele origin: germline.
Comment: The p.G876V variant (also known as c.2627G>T), located in coding exon 16 of the PTCH1 gene, results from a G to T substitution at nucleotide position 2627. The glycine at codon 876 is replaced by valine, an amino acid with dissimilar properties. This amino acid position is conserved. In addition, this alteration is predicted to be deleterious by in silico analysis. Based on the available evidence, the clinical significance of this variant remains unclear.

Labcorp Genetics (formerly Invitae), Labcorp
Classification: Uncertain significance for Gorlin syndrome. Last evaluated: 2024-05-31. Review status: criteria provided, single submitter. Criteria: Invitae Variant Classification Sherloc (09022015). Collection method: clinical testing. Allele origin: germline.
Comment: This sequence change replaces glycine, which is neutral and non-polar, with valine, which is neutral and non-polar, at codon 876 of the PTCH1 protein (p.Gly876Val). This variant is not present in population databases (gnomAD no frequency). This variant has not been reported in the literature in individuals affected with PTCH1-related conditions. Advanced modeling of protein sequence and biophysical properties (such as structural, functional, and spatial information, amino acid conservation, physicochemical variation, residue mobility, and thermodynamic stability) performed at Invitae indicates that this missense variant is not expected to disrupt PTCH1 protein function with a negative predictive value of 95%. In summary, the available evidence is currently insufficient to determine the role of this variant in disease. Therefore, it has been classified as a Variant of Uncertain Significance.